The following is an entry in ClinVar:

ClinVar aggregate classification (germline): Uncertain significance (1 of 4 stars; one submission).

Conditions:
Hereditary cancer-predisposing syndrome. Also called: Tumor predisposition; Hereditary Cancer Syndrome; Hereditary neoplastic syndrome; Neoplastic Syndromes, Hereditary. Identifiers: Orphanet 140162, MedGen C0027672, MeSH D009386, MONDO:0015356.

Submission:

Ambry Genetics
Classification: Uncertain significance for Hereditary cancer-predisposing syndrome. Last evaluated: 2024-05-24. Review status: criteria provided, single submitter. Criteria: Ambry Variant Classification Scheme 2023. Collection method: clinical testing. Allele origin: germline.
Comment: The p.V396I variant (also known as c.1186G>A), located in coding exon 8 of the FH gene, results from a G to A substitution at nucleotide position 1186. The valine at codon 396 is replaced by isoleucine, an amino acid with highly similar properties. This amino acid position is conserved. In addition, this alteration is predicted to be tolerated by in silico analysis. Based on the available evidence, the clinical significance of this variant remains unclear.

NM_000143.4(FH):c.1186G>A (p.Val396Ile)

Gene: FH (fumarate hydratase; minus strand). Cytogenetic location: 1q43.
Variant type: single nucleotide variant.
Coding change: c.1186G>A on transcript NM_000143.4 (MANE Select); coding-DNA position 1186, G replaced by A.
Protein change: p.Val396Ile; replaces valine 396 with isoleucine.
Molecular consequence: missense variant.
Genome position (GRCh38, 1-based): chr1:241,502,493, C>T on the plus strand (G>A on the coding strand, the complement: FH is on the minus strand). VCF-style: chr1-241502493-C-T. GRCh37 (hg19) VCF-style: chr1-241665793-C-T.
Other names: short protein forms V396I.
Identifiers: ClinVar variation 3278751 (VCV003278751.1).
Genomic context (GRCh38, chr1:241,502,493, plus strand): 5'-TAAAGCTTACCATCATTGGCTTGAAAACATTCAACTCAAAATGTCCATTGCTGCCTCCGA[C>T]AGTGACAGCAACATGGTTCCCCATGACTTGGGCTGCAACCATGGTCATTGCTTCACACTG-3'
Protein context (NP_000134.2, residues 386-406): QVMGNHVAVT[Val396Ile]GGSNGHFELN